The following is an entry in ClinVar:

NM_001127255.2(NLRP7):c.1725G>T (p.Leu575=)

Gene: NLRP7 (NLR family pyrin domain containing 7; minus strand). Cytogenetic location: 19q13.42.
Variant type: single nucleotide variant.
Coding change: c.1725G>T on transcript NM_001127255.2 (MANE Select); coding-DNA position 1725, G replaced by T.
Protein change: p.Leu575=; no amino-acid change (leucine 575 retained).
Molecular consequence: synonymous variant.
Genome position (GRCh38, 1-based): chr19:54,939,094, C>A on the plus strand (G>T on the coding strand, the complement: NLRP7 is on the minus strand). VCF-style: chr19-54939094-C-A. GRCh37 (hg19) VCF-style: chr19-55450462-C-A.
Other names: NC_000019.9:g.55450462C>A; c.1725G>T, p.Leu575= (NM_001405531.1, NM_139176.4, NM_206828.4).
Identifiers: ClinVar variation 330164 (VCV000330164.12), dbSNP rs73055288, ClinGen allele CA310017358.

ClinVar aggregate classification (germline): Likely benign. Review status: criteria provided, multiple submitters, no conflicts (2 of 4 stars). 3 submissions from 3 submitters: Likely benign (3). Last evaluated 2021-02-22.

Conditions:
Hydatidiform mole. Also called: Hydatidiform mole, recurrent; Hydatidiform Moles; hydatid mole. Identifiers: Orphanet 99927, MedGen C0020217, MONDO:0006248, HP:0032192.
Hydatidiform mole, recurrent, 1 (HYDM1). Identifiers: Orphanet 254688, Orphanet 99927, MedGen C3463897, MONDO:0009273, OMIM 231090. Disease mechanism: loss of function.

Allele frequency attached by ClinVar (database versions not stated): 1000 Genomes Project 0.01837; 1000 Genomes Project 30x 0.01952; ExAC 0.03646; gnomAD exomes 0.03646; gnomAD 0.03662 and 0.03784; TOPMed 0.03744; ESP Exome Variant Server 0.04290.
gnomAD v4.1: 83,675 of 1,614,198 alleles (5.2%); highest among the groups gnomAD compares: Non-Finnish European, 6.3%; 2,726 homozygotes.

Submissions (7):

National Health Laboratory Service, Universitas Academic Hospital and University of the Free State
Classification: Likely benign for Hydatidiform mole. Last evaluated: 2021-02-22. Review status: criteria provided, single submitter. Criteria: ACMG Guidelines, 2015. Collection method: research. Allele origin: germline. Affected: yes. Observed: 1 variant allele.

Illumina Laboratory Services, Illumina
Classification: Likely benign for Hydatidiform mole, recurrent, 1. Last evaluated: 2018-01-13. Review status: criteria provided, single submitter. Criteria: ICSL Variant Classification Criteria 13 December 2019. Collection method: clinical testing. Allele origin: germline.
Comment: This variant was observed in the ICSL laboratory as part of a predisposition screen in an ostensibly healthy population. It had not been previously curated by ICSL or reported in the Human Gene Mutation Database (HGMD: prior to June 1st, 2018), and was therefore a candidate for classification through an automated scoring system. Utilizing variant allele frequency, disease prevalence and penetrance estimates, and inheritance mode, an automated score was calculated to assess if this variant is too frequent to cause the disease. Based on the score and internal cut-off values, a variant classified as likely benign is not then subjected to further curation. The score for this variant resulted in a classification of likely benign for this disease.

Breakthrough Genomics
Classification: Likely benign. Review status: criteria provided, single submitter. Criteria: ACMG Guidelines, 2015. Collection method: not provided. Allele origin: germline. Inheritance: Autosomal recessive inheritance. Affected: yes.

Dr. Peter K. Rogan Lab, Western University
No classification provided (evidence only). Condition: Uterine corpus endometrial carcinoma. Review status: no classification provided. Collection method: in vitro. Allele origin: not applicable. Functional consequence: retained intron. Not counted in ClinVar's aggregate classification.

Dr. Peter K. Rogan Lab, Western University
No classification provided (evidence only). Condition: Malignant lymphoma, large B-cell, diffuse. Review status: no classification provided. Collection method: in vitro. Allele origin: not applicable. Functional consequence: retained intron. Not counted in ClinVar's aggregate classification.

Dr. Peter K. Rogan Lab, Western University
No classification provided (evidence only). Condition: Cholangiocarcinoma. Review status: no classification provided. Collection method: in vitro. Allele origin: not applicable. Functional consequence: retained intron. Not counted in ClinVar's aggregate classification.

Dr. Peter K. Rogan Lab, Western University
No classification provided (evidence only). Condition: Uterine carcinosarcoma. Review status: no classification provided. Collection method: in vitro. Allele origin: not applicable. Functional consequence: retained intron. Not counted in ClinVar's aggregate classification.